The following is an entry in ClinVar:

NM_005751.5(AKAP9):c.5783C>T (p.Ala1928Val)

Gene: AKAP9 (A-kinase anchoring protein 9; plus strand). Cytogenetic location: 7q21.2.
Variant type: single nucleotide variant.
Coding change: c.5783C>T on transcript NM_005751.5 (MANE Select); coding-DNA position 5783, C replaced by T.
Protein change: p.Ala1928Val; replaces alanine 1928 with valine.
Molecular consequence: missense variant.
Genome position (GRCh38, 1-based): chr7:92,062,292, C>T. VCF-style: chr7-92062292-C-T. GRCh37 (hg19) VCF-style: chr7-91691606-C-T.
Other names: c.428C>T, p.Ala143Val (NM_001379277.1); c.5783C>T, p.Ala1928Val (NM_147185.3); short protein forms A143V, A1928V.
Identifiers: ClinVar variation 2510876 (VCV002510876.5), dbSNP rs373011242, ClinGen allele CA4336922.

ClinVar aggregate classification (germline): Uncertain significance. Review status: criteria provided, multiple submitters, no conflicts (2 of 4 stars). 2 submissions from 2 submitters: Uncertain significance (2). Last evaluated 2024-09-30.

Conditions:
Cardiovascular phenotype. Identifiers: MedGen CN230736.
Long QT syndrome (LQTS). Identifiers: MedGen C0023976, MeSH D008133, MONDO:0002442. Disease mechanism: loss of function. Inheritance: Various modes of inheritance.

Allele frequency attached by ClinVar (database versions not stated): gnomAD exomes below 0.00001; ExAC 0.00001; gnomAD 0.00001.
gnomAD v4.1: 3 of 1,612,860 alleles (0.00019%); highest among the groups gnomAD compares: South Asian, 0.0033%; no homozygotes.

Submissions (2):

Ambry Genetics
Classification: Uncertain significance for Cardiovascular phenotype. Last evaluated: 2024-09-30. Review status: criteria provided, single submitter. Criteria: Ambry Variant Classification Scheme 2023. Collection method: clinical testing. Allele origin: germline.
Comment: The p.A1928V variant (also known as c.5783C>T), located in coding exon 24 of the AKAP9 gene, results from a C to T substitution at nucleotide position 5783. The alanine at codon 1928 is replaced by valine, an amino acid with similar properties. This amino acid position is conserved. In addition, this alteration is predicted to be tolerated by in silico analysis. Based on the available evidence, the clinical significance of this variant remains unclear.

Labcorp Genetics (formerly Invitae), Labcorp
Classification: Uncertain significance for Long QT syndrome. Last evaluated: 2024-09-18. Review status: criteria provided, single submitter. Criteria: Invitae Variant Classification Sherloc (09022015). Collection method: clinical testing. Allele origin: germline.
Comment: This sequence change replaces alanine, which is neutral and non-polar, with valine, which is neutral and non-polar, at codon 1928 of the AKAP9 protein (p.Ala1928Val). The frequency data for this variant in the population databases is considered unreliable, as metrics indicate poor data quality at this position in the gnomAD database. This variant has not been reported in the literature in individuals affected with AKAP9-related conditions. ClinVar contains an entry for this variant (Variation ID: 2510876). An algorithm developed to predict the effect of missense changes on protein structure and function (PolyPhen-2) suggests that this variant is likely to be tolerated. In summary, the available evidence is currently insufficient to determine the role of this variant in disease. Therefore, it has been classified as a Variant of Uncertain Significance.